The following is an entry in ClinVar:

ClinVar aggregate classification (germline): Uncertain significance (1 of 4 stars; one submission).

Conditions:
RYR1-related disorder. Also called: RYR1-related condition; RYR1-related disorders. Identifiers: MedGen CN239331.

gnomAD v4.1: 1 of 1,613,890 alleles (0.000062%); highest among the groups gnomAD compares: South Asian, 0.0011%; no homozygotes.

Submission:

Labcorp Genetics (formerly Invitae), Labcorp
Classification: Uncertain significance for RYR1-related disorder. Last evaluated: 2025-12-01. Review status: criteria provided, single submitter. Criteria: Invitae Variant Classification Sherloc (09022015). Collection method: clinical testing. Allele origin: germline.
Comment: This sequence change replaces asparagine, which is neutral and polar, with histidine, which is basic and polar, at codon 4559 of the RYR1 protein (p.Asn4559His). This variant is not present in population databases (gnomAD no frequency). This variant has not been reported in the literature in individuals affected with RYR1-related conditions. Invitae Evidence Modeling of protein sequence and biophysical properties (such as structural, functional, and spatial information, amino acid conservation, physicochemical variation, residue mobility, and thermodynamic stability) has been performed for this missense variant. However, the output from this modeling did not meet the statistical confidence thresholds required to predict the impact of this variant on RYR1 protein function. In summary, the available evidence is currently insufficient to determine the role of this variant in disease. Therefore, it has been classified as a Variant of Uncertain Significance.

NM_000540.3(RYR1):c.13675A>C (p.Asn4559His)

Gene: RYR1 (ryanodine receptor 1; plus strand). Cytogenetic location: 19q13.2.
Variant type: single nucleotide variant.
Coding change: c.13675A>C on transcript NM_000540.3 (MANE Select); coding-DNA position 13675, A replaced by C.
Protein change: p.Asn4559His; replaces asparagine 4559 with histidine.
Molecular consequence: missense variant.
Genome position (GRCh38, 1-based): chr19:38,570,622, A>C. VCF-style: chr19-38570622-A-C. GRCh37 (hg19) VCF-style: chr19-39061262-A-C.
Other names: c.13660A>C, p.Asn4554His (NM_001042723.2); short protein forms N4554H, N4559H.
Identifiers: ClinVar variation 4802135 (VCV004802135.1).